The following is an entry in ClinVar:

ClinVar aggregate classification (germline): Conflicting classifications of pathogenicity. Review status: criteria provided, conflicting classifications (1 of 4 stars). 4 submissions from 4 submitters: Uncertain significance (2); Likely benign (2). Last evaluated 2025-07-08.

Conditions:
CEP164-related disorder. Also called: CEP164-related condition.
Nephronophthisis 15 (NPHP15). Identifiers: Orphanet 3156, MedGen C3541853, MONDO:0013917, OMIM 614845.

Allele frequency attached by ClinVar (database versions not stated): gnomAD 0.00002 and 0.00003; TOPMed 0.00004; ESP Exome Variant Server 0.00008; gnomAD exomes 0.00013; 1000 Genomes Project 30x 0.00016; 1000 Genomes Project 0.00020; ExAC 0.00037.
gnomAD v4.1: 124 of 1,571,214 alleles (0.0079%); highest among the groups gnomAD compares: East Asian, 0.27%; no homozygotes.

Submissions (4):

PreventionGenetics, part of Exact Sciences
Classification: Likely benign for CEP164-related condition. Last evaluated: 2025-07-08. Review status: criteria provided, single submitter. Criteria: ACMG Guidelines, 2015. Collection method: clinical testing. Allele origin: germline.
Comment: This variant is classified as likely benign based on ACMG/AMP sequence variant interpretation guidelines (Richards et al. 2015 PMID: 25741868, with internal and published modifications).

Blueprint Genetics
Classification: Likely benign. Last evaluated: 2023-01-04. Review status: criteria provided, single submitter. Criteria: ACMG Guidelines, 2015. Collection method: clinical testing. Allele origin: germline.

Labcorp Genetics (formerly Invitae), Labcorp
Classification: Uncertain significance for Nephronophthisis 15. Last evaluated: 2022-07-26. Review status: criteria provided, single submitter. Criteria: Invitae Variant Classification Sherloc (09022015). Collection method: clinical testing. Allele origin: germline.
Comment: This sequence change falls in intron 28 of the CEP164 gene. It does not directly change the encoded amino acid sequence of the CEP164 protein. It affects a nucleotide within the consensus splice site. This variant is present in population databases (rs148009946, gnomAD 0.2%). This variant has not been reported in the literature in individuals affected with CEP164-related conditions. ClinVar contains an entry for this variant (Variation ID: 954652). Variants that disrupt the consensus splice site are a relatively common cause of aberrant splicing (PMID: 17576681, 9536098). Algorithms developed to predict the effect of sequence changes on RNA splicing suggest that this variant may disrupt the consensus splice site. In summary, the available evidence is currently insufficient to determine the role of this variant in disease. Therefore, it has been classified as a Variant of Uncertain Significance.

Fulgent Genetics
Classification: Uncertain significance for Nephronophthisis 15. Last evaluated: 2021-12-28. Review status: criteria provided, single submitter. Criteria: ACMG Guidelines, 2015. Collection method: clinical testing. Allele origin: unknown.

Literature cited by the submitters: PubMed 17576681 (cited by Labcorp Genetics (formerly Invitae), Labcorp); PubMed 9536098 (cited by Labcorp Genetics (formerly Invitae), Labcorp).

NM_014956.5(CEP164):c.3609+3G>A

Gene: CEP164 (centrosomal protein 164; plus strand). Cytogenetic location: 11q23.3.
Variant type: single nucleotide variant.
Coding change: c.3609+3G>A on transcript NM_014956.5 (MANE Select); 3 bases into the intron after coding-DNA position 3609, G replaced by A.
Molecular consequence: intron variant.
Genome position (GRCh38, 1-based): chr11:117,408,035, G>A. VCF-style: chr11-117408035-G-A. GRCh37 (hg19) VCF-style: chr11-117278751-G-A.
Other names: c.3618+3G>A (NM_001271933.2).
Identifiers: ClinVar variation 954652 (VCV000954652.9), dbSNP rs148009946, ClinGen allele CA6295504.